The following is an entry in ClinVar:

ClinVar aggregate classification (germline): Uncertain significance (1 of 4 stars; one submission).

Allele frequency attached by ClinVar (database versions not stated): TOPMed below 0.00001; gnomAD exomes 0.00001.
gnomAD v4.1: 8 of 1,591,172 alleles (0.0005%); highest among the groups gnomAD compares: East Asian, 0.0022%; no homozygotes.

Submission:

Labcorp Genetics (formerly Invitae), Labcorp
Classification: Uncertain significance. Last evaluated: 2025-09-02. Review status: criteria provided, single submitter. Criteria: Invitae Variant Classification Sherloc (09022015). Collection method: clinical testing. Allele origin: germline.
Comment: This sequence change replaces isoleucine, which is neutral and non-polar, with threonine, which is neutral and polar, at codon 224 of the CCT2 protein (p.Ile224Thr). This variant is not present in population databases (gnomAD no frequency). This variant has not been reported in the literature in individuals affected with CCT2-related conditions. ClinVar contains an entry for this variant (Variation ID: 1493161). An algorithm developed to predict the effect of missense changes on protein structure and function (PolyPhen-2) suggests that this variant is likely to be disruptive. In summary, the available evidence is currently insufficient to determine the role of this variant in disease. Therefore, it has been classified as a Variant of Uncertain Significance.

NM_006431.3(CCT2):c.671T>C (p.Ile224Thr)

Gene: CCT2 (chaperonin containing TCP1 subunit 2; plus strand). Cytogenetic location: 12q15.
Variant type: single nucleotide variant.
Coding change: c.671T>C on transcript NM_006431.3 (MANE Select); coding-DNA position 671, T replaced by C.
Protein change: p.Ile224Thr; replaces isoleucine 224 with threonine.
Molecular consequence: missense variant.
Genome position (GRCh38, 1-based): chr12:69,592,080, T>C. VCF-style: chr12-69592080-T-C. GRCh37 (hg19) VCF-style: chr12-69985860-T-C.
Other names: c.530T>C, p.Ile177Thr (NM_001198842.2); short protein forms I224T, I177T.
Identifiers: ClinVar variation 1493161 (VCV001493161.8), dbSNP rs1881850627, ClinGen allele CA385728032.